The following is an entry in ClinVar:

NM_003098.3(SNTA1):c.1517_*2dup (p.Ter506=)

Gene: SNTA1 (syntrophin alpha 1; minus strand). Cytogenetic location: 20q11.21.
Variant type: Duplication.
Coding change: c.1517_*2dup on transcript NM_003098.3 (MANE Select); coding-DNA position 1517 through 2 bases downstream of the stop codon, 4 bases duplicated (AGAA; older notation c.1517_*2dupAGAA).
Protein change: p.Ter506=.
Molecular consequence: no sequence alteration.
Genome position (GRCh38, 1-based): chr20:33,408,505-33,408,508, TTCT duplicated on the plus strand (AGAA on the coding strand, the reverse complement: SNTA1 is on the minus strand). VCF-style (leftmost placement, unchanged base first): chr20-33408504-C-CTTCT. GRCh37 (hg19) VCF-style: chr20-31996310-C-CTTCT.
Other names: c.1517_*2dupAGAA (NM_003098.2).
Identifiers: ClinVar variation 2504942 (VCV002504942.3), dbSNP rs778740982, ClinGen allele CA9816926.
Genomic context (GRCh38, chr20:33,408,504, plus strand): 5'-TGGAGGCCCAGCTCAGGCCATGTCATGGACACCCCTCTTCAGGGCTAGTGCATCCGGCGA[C>CTTCT]TTCTAGGCCAACAGCCCGAGGCGGGTGACTTTGGCCGACAGGAAGGAGTGGATGATGAAG-3'

ClinVar aggregate classification (germline): Likely benign. Review status: criteria provided, multiple submitters, no conflicts (2 of 4 stars). 2 submissions from 2 submitters: Likely benign (2). Last evaluated 2023-06-16.

Conditions:
Cardiovascular phenotype. Identifiers: MedGen CN230736.

Allele frequency attached by ClinVar (database versions not stated): gnomAD exomes 0.00001; ExAC 0.00002; gnomAD 0.00011; TOPMed 0.00017.

Submissions (2):

Ambry Genetics
Classification: Likely benign for Cardiovascular phenotype. Last evaluated: 2023-06-16. Review status: criteria provided, single submitter. Criteria: Ambry Variant Classification Scheme 2023. Collection method: clinical testing. Allele origin: germline.

GeneDx
Classification: Likely benign. Last evaluated: 2023-01-04. Review status: criteria provided, single submitter. Criteria: GeneDx Variant Classification Process June 2021. Collection method: clinical testing. Allele origin: germline. Affected: yes.
Comment: See Variant Classification Assertion Criteria.